The following is an entry in ClinVar:

NM_006031.6(PCNT):c.6150+3G>A

Gene: PCNT (pericentrin; plus strand). Cytogenetic location: 21q22.3.
Variant type: single nucleotide variant.
Coding change: c.6150+3G>A on transcript NM_006031.6 (MANE Select); 3 bases into the intron after coding-DNA position 6150, G replaced by A.
Molecular consequence: intron variant.
Genome position (GRCh38, 1-based): chr21:46,412,995, G>A. VCF-style: chr21-46412995-G-A. GRCh37 (hg19) VCF-style: chr21-47832909-G-A.
Other names: c.5796+3G>A (NM_001315529.2).
Identifiers: ClinVar variation 211871 (VCV000211871.42), dbSNP rs760779996, ClinGen allele CA209565.

ClinVar aggregate classification (germline): Conflicting classifications of pathogenicity. Review status: criteria provided, conflicting classifications (1 of 4 stars). 6 submissions from 6 submitters: Uncertain significance (1); Likely benign (4). 1 of the submissions does not count toward it. Last evaluated 2026-01-20.

Conditions:
PCNT-related disorder. Also called: PCNT-related condition.
Microcephalic osteodysplastic primordial dwarfism type II (MOPD2). Also called: Microcephalic osteodysplastic primordial dwarfism with tooth abnormalities; MOPD II; OSTEODYSPLASTIC PRIMORDIAL DWARFISM, TYPE II. Identifiers: Orphanet 2637, MedGen C0432246, MONDO:0008872, OMIM 210720.

Allele frequency attached by ClinVar (database versions not stated): gnomAD 0.00016 and 0.00018; gnomAD exomes 0.00044; ExAC 0.00049.
gnomAD v4.1: 346 of 1,606,660 alleles (0.022%); highest among the groups gnomAD compares: East Asian, 0.28%; no homozygotes.

Submissions (6):

Labcorp Genetics (formerly Invitae), Labcorp
Classification: Likely benign. Last evaluated: 2026-01-20. Review status: criteria provided, single submitter. Criteria: Invitae Variant Classification Sherloc (09022015). Collection method: clinical testing. Allele origin: germline.

Blueprint Genetics
Classification: Likely benign. Last evaluated: 2024-09-12. Review status: criteria provided, single submitter. Criteria: ACMG Guidelines, 2015. Collection method: clinical testing. Allele origin: germline.

CeGaT Center for Human Genetics Tuebingen
Classification: Likely benign. Last evaluated: 2022-08-01. Review status: criteria provided, single submitter. Criteria: CeGaT Center For Human Genetics Tuebingen Variant Classification Criteria Version 2. Collection method: clinical testing. Allele origin: germline. Affected: yes. Observed: 1 variant allele.
Comment: PCNT: BP4

Illumina Laboratory Services, Illumina
Classification: Likely benign for Microcephalic osteodysplastic primordial dwarfism type II. Last evaluated: 2017-06-27. Review status: criteria provided, single submitter. Criteria: ICSL Variant Classification Criteria 13 December 2019. Collection method: clinical testing. Allele origin: germline.
Comment: This variant was observed as part of a predisposition screen in an ostensibly healthy population. A literature search was performed for the gene, cDNA change, and amino acid change (where applicable). Publications were found based on this search. The evidence from the literature, in combination with allele frequency data from public databases where available, was sufficient to determine this variant is unlikely to cause disease. Therefore, this variant is classified as likely benign.

Genetic Services Laboratory, University of Chicago
Classification: Uncertain significance. Last evaluated: 2015-04-09. Review status: criteria provided, single submitter. Criteria: ACMG Guidelines, 2015. Collection method: clinical testing. Allele origin: germline.

PreventionGenetics, part of Exact Sciences
Classification: Likely benign for PCNT-related condition. Last evaluated: 2021-10-05. Review status: no assertion criteria provided. Collection method: clinical testing. Allele origin: germline. Not counted in ClinVar's aggregate classification.
Comment: This variant is classified as likely benign based on ACMG/AMP sequence variant interpretation guidelines (Richards et al. 2015 PMID: 25741868, with internal and published modifications).

Literature cited by the submitters: PubMed 27323140 (cited by Illumina Laboratory Services, Illumina).